The following is an entry in ClinVar:

ClinVar aggregate classification (germline): Conflicting classifications of pathogenicity. Review status: criteria provided, conflicting classifications (1 of 4 stars). 4 submissions from 4 submitters: Uncertain significance (3); Likely benign (1). Last evaluated 2026-07-15.

Conditions:
Zellweger spectrum disorders (ZS). Also called: Zellweger Spectrum Disorder (ZSD); Zellweger Spectrum Disorder; Zellweger Spectrum; Zellweger syndrome. Identifiers: Orphanet 912, MedGen C0043459, MONDO:0019609.
PEX1-related disorder. Also called: PEX1-related condition.
Inborn genetic diseases. Identifiers: MedGen C0950123, MeSH D030342.

Allele frequency attached by ClinVar (database versions not stated): gnomAD exomes 0.00001 and 0.00003; gnomAD 0.00009 and 0.00011; ExAC 0.00012; TOPMed 0.00012; ESP Exome Variant Server 0.00016.
gnomAD v4.1: 31 of 1,577,366 alleles (0.002%); highest among the groups gnomAD compares: African/African-American, 0.039%; no homozygotes.

Submissions (4):

GeneDx
Classification: Uncertain significance. Last evaluated: 2026-07-15. Review status: criteria provided, single submitter. Criteria: GeneDx Variant Classification Process June 2021. Collection method: clinical testing. Allele origin: germline.
Comment: Has not been previously published as pathogenic or benign to our knowledge; In silico analysis supports that this missense variant has a deleterious effect on protein structure/function

PreventionGenetics, part of Exact Sciences
Classification: Uncertain significance for PEX1-related condition. Last evaluated: 2026-06-21. Review status: criteria provided, single submitter. Criteria: ACMG Guidelines, 2015. Collection method: clinical testing. Allele origin: germline.
Comment: The PEX1 c.88C>T variant is predicted to result in the amino acid substitution p.His30Tyr. To our knowledge, this variant has not been reported in the literature. This variant is reported in 0.031% of alleles in individuals of African descent in gnomAD. At this time, the clinical significance of this variant is uncertain due to the absence of conclusive functional and genetic evidence.

Ambry Genetics
Classification: Uncertain significance for Inborn genetic diseases. Last evaluated: 2025-01-19. Review status: criteria provided, single submitter. Criteria: Ambry Variant Classification Scheme 2023. Collection method: clinical testing. Allele origin: germline.

Labcorp Genetics (formerly Invitae), Labcorp
Classification: Likely benign for Zellweger spectrum disorders. Last evaluated: 2025-01-12. Review status: criteria provided, single submitter. Criteria: Invitae Variant Classification Sherloc (09022015). Collection method: clinical testing. Allele origin: germline.

NM_000466.3(PEX1):c.88C>T (p.His30Tyr)

Gene: PEX1 (peroxisomal biogenesis factor 1; minus strand). Cytogenetic location: 7q21.2.
Variant type: single nucleotide variant.
Coding change: c.88C>T on transcript NM_000466.3 (MANE Select); coding-DNA position 88, C replaced by T.
Protein change: p.His30Tyr; replaces histidine 30 with tyrosine.
Molecular consequence: missense variant. On other transcripts: 5 prime UTR variant (1).
Genome position (GRCh38, 1-based): chr7:92,528,348, G>A on the plus strand (C>T on the coding strand, the complement: PEX1 is on the minus strand). VCF-style: chr7-92528348-G-A. GRCh37 (hg19) VCF-style: chr7-92157662-G-A.
Other names: c.88C>T (NM_000466.2); c.88C>T, p.His30Tyr (NM_001282677.2); c.-572C>T (NM_001282678.2); short protein forms H30Y.
Identifiers: ClinVar variation 1433842 (VCV001433842.10), dbSNP rs375045292, ClinGen allele CA4341697.
Genomic context (GRCh38, chr7:92,528,348, plus strand): 5'-CTCGGGGCCGGCAGGTTACCTGCAGCAGATGCAGCTGGGCCACGAGACGCCGCGGCAGGT[G>A]GAGGAAGCAGTCGCGAGCGTTGGTGAAGGCCACAGTCACTGCCGCCCCGCCTCCCCCAGC-3'
Protein context (NP_000457.1, residues 20-40): AFTNARDCFL[His30Tyr]LPRRLVAQLH